The following is an entry in ClinVar:

NM_000051.4(ATM):c.6474G>A (p.Met2158Ile)

Genes: ATM (ATM serine/threonine kinase; plus strand), C11orf65 (chromosome 11 open reading frame 65; minus strand). Cytogenetic location: 11q22.3.
Variant type: single nucleotide variant.
Coding change: c.6474G>A on transcript NM_000051.4 (MANE Select); coding-DNA position 6474, G replaced by A.
Protein change: p.Met2158Ile; replaces methionine 2158 with isoleucine.
Molecular consequence: missense variant. On other transcripts: intron variant (2).
Genome position (GRCh38, 1-based): chr11:108,321,322, G>A. VCF-style: chr11-108321322-G-A. GRCh37 (hg19) VCF-style: chr11-108192049-G-A.
Other names: c.6474G>A, p.Met2158Ile (NM_001351834.2); c.641-12251C>T (NM_001330368.2); c.*39-12251C>T (NM_001351110.2); short protein forms M2158I.
Identifiers: ClinVar variation 582463 (VCV000582463.26), dbSNP rs1565511084, ClinGen allele CA382553920.

ClinVar aggregate classification (germline): Uncertain significance. Review status: criteria provided, multiple submitters, no conflicts (2 of 4 stars). 4 submissions from 4 submitters: Uncertain significance (3). 1 of the submissions does not count toward it. Last evaluated 2025-12-03.

Conditions:
Hereditary cancer-predisposing syndrome. Also called: Hereditary Cancer Syndrome; Neoplastic Syndromes, Hereditary; Tumor predisposition; Hereditary neoplastic syndrome. Identifiers: Orphanet 140162, MedGen C0027672, MeSH D009386, MONDO:0015356.
Ataxia-telangiectasia syndrome (AT). Also called: Cerebello-oculocutaneous telangiectasia; Immunodeficiency with ataxia telangiectasia; Ataxia-telangiectasia, complementation group E; Ataxia-telangiectasia, complementation group D; AT, COMPLEMENTATION GROUP C; ATAXIA-TELANGIECTASIA, COMPLEMENTATION GROUP A. Identifiers: Orphanet 100, MedGen C0004135, MONDO:0008840, OMIM 208900.

Allele frequency attached by ClinVar (database versions not stated): gnomAD exomes below 0.00001.
gnomAD v4.1: 5 of 1,614,178 alleles (0.00031%); highest among the groups gnomAD compares: Non-Finnish European, 0.00042%; no homozygotes.

Submissions (4):

Ambry Genetics
Classification: Uncertain significance for Hereditary cancer-predisposing syndrome. Last evaluated: 2025-12-03. Review status: criteria provided, single submitter. Criteria: Ambry Variant Classification Scheme 2023. Collection method: clinical testing. Allele origin: germline.
Comment: The p.M2158I variant (also known as c.6474G>A), located in coding exon 44 of the ATM gene, results from a G to A substitution at nucleotide position 6474. The methionine at codon 2158 is replaced by isoleucine, an amino acid with highly similar properties. This amino acid position is poorly conserved in available vertebrate species. In addition, this alteration is predicted to be tolerated by in silico analysis. Since supporting evidence is limited at this time, the clinical significance of this alteration remains unclear.

Labcorp Genetics (formerly Invitae), Labcorp
Classification: Uncertain significance for Ataxia-telangiectasia syndrome. Last evaluated: 2025-09-22. Review status: criteria provided, single submitter. Criteria: Invitae Variant Classification Sherloc (09022015). Collection method: clinical testing. Allele origin: germline.
Comment: This sequence change replaces methionine, which is neutral and non-polar, with isoleucine, which is neutral and non-polar, at codon 2158 of the ATM protein (p.Met2158Ile). This variant is not present in population databases (gnomAD no frequency). This variant has not been reported in the literature in individuals affected with ATM-related conditions. ClinVar contains an entry for this variant (Variation ID: 582463). Invitae Evidence Modeling of protein sequence and biophysical properties (such as structural, functional, and spatial information, amino acid conservation, physicochemical variation, residue mobility, and thermodynamic stability) indicates that this missense variant is not expected to disrupt ATM protein function with a negative predictive value of 95%. In summary, the available evidence is currently insufficient to determine the role of this variant in disease. Therefore, it has been classified as a Variant of Uncertain Significance.

GeneDx
Classification: Uncertain significance. Last evaluated: 2020-02-28. Review status: criteria provided, single submitter. Criteria: GeneDx Variant Classification Process June 2021. Collection method: clinical testing. Allele origin: germline. Affected: yes.
Comment: Not observed in large population cohorts (Lek 2016); In silico analysis supports that this missense variant does not alter protein structure/function; Has not been previously published as pathogenic or benign to our knowledge

Natera, Inc.
Classification: Uncertain significance for Ataxia-telangiectasia. Last evaluated: 2021-02-02. Review status: no assertion criteria provided. Collection method: clinical testing. Allele origin: germline. Not counted in ClinVar's aggregate classification.